The following is an entry in ClinVar:

NM_001289104.2(PRKCSH):c.416G>A (p.Arg139His)

Gene: PRKCSH (PRKCSH beta subunit of glucosidase II; plus strand). Cytogenetic location: 19p13.2.
Variant type: single nucleotide variant.
Coding change: c.416G>A on transcript NM_001289104.2 (MANE Select); coding-DNA position 416, G replaced by A.
Protein change: p.Arg139His; replaces arginine 139 with histidine.
Molecular consequence: missense variant.
Genome position (GRCh38, 1-based): chr19:11,441,305, G>A. VCF-style: chr19-11441305-G-A. GRCh37 (hg19) VCF-style: chr19-11552120-G-A.
Other names: c.416G>A, p.Arg139His (NM_001001329.3, NM_001289102.2, NM_001289103.2 and 3 more transcripts); short protein forms R139H.
Identifiers: ClinVar variation 283561 (VCV000283561.44), dbSNP rs139991238, ClinGen allele CA9212839.
Genomic context (GRCh38, chr19:11,441,305, plus strand): 5'-AGGGCCGTAAGGAGAGAGAGTCCCTGCAGCAGATGGCCGAGGTCACCCGCGAAGGGTTCC[G>A]TCTGAAGAAGATCCTTATTGAGGACTGGAAGAAGGCACGGGAGGAGAAGCAGGTAAGGAA-3'
Protein context (NP_001276033.1, residues 129-149): QMAEVTREGF[Arg139His]LKKILIEDWK

ClinVar aggregate classification (germline): Conflicting classifications of pathogenicity. Review status: criteria provided, conflicting classifications (1 of 4 stars). 7 submissions from 7 submitters: Uncertain significance (2); Benign (2); Likely benign (3). Last evaluated 2026-02-01.

Conditions:
Polycystic liver disease 1 (PCLD1). Also called: Polycystic liver disease 1 with or without kidney cysts. Identifiers: Orphanet 2924, MedGen C0887850, MONDO:0008265, OMIM 174050.

Allele frequency attached by ClinVar (database versions not stated): 1000 Genomes Project 30x 0.00031; 1000 Genomes Project 0.00040; TOPMed 0.00098; gnomAD 0.00127 and 0.00137; gnomAD exomes 0.00155; ESP Exome Variant Server 0.00161; ExAC 0.00163.
gnomAD v4.1: 2,845 of 1,614,026 alleles (0.18%); highest among the groups gnomAD compares: Non-Finnish European, 0.2%; 1 homozygote.

Submissions (7):

Labcorp Genetics (formerly Invitae), Labcorp
Classification: Benign. Last evaluated: 2026-02-01. Review status: criteria provided, single submitter. Criteria: Invitae Variant Classification Sherloc (09022015). Collection method: clinical testing. Allele origin: germline.

CeGaT Center for Human Genetics Tuebingen
Classification: Benign. Last evaluated: 2025-09-01. Review status: criteria provided, single submitter. Criteria: CeGaT Center For Human Genetics Tuebingen Variant Classification Criteria Version 2. Collection method: clinical testing. Allele origin: germline. Affected: yes. Observed: 3 variant alleles.
Comment: PRKCSH: BS1, BS2

Blueprint Genetics
Classification: Likely benign. Last evaluated: 2024-10-18. Review status: criteria provided, single submitter. Criteria: ACMG Guidelines, 2015. Collection method: clinical testing. Allele origin: germline.

GeneDx
Classification: Likely benign. Last evaluated: 2020-07-20. Review status: criteria provided, single submitter. Criteria: GeneDx Variant Classification Process June 2021. Collection method: clinical testing. Allele origin: germline. Affected: yes.
Comment: This variant is associated with the following publications: (PMID: 16835903, 22415584)

Baylor Genetics
Classification: Uncertain significance for Polycystic liver disease 1. Last evaluated: 2018-04-22. Review status: criteria provided, single submitter. Criteria: ACMG Guidelines, 2015. Collection method: clinical testing. Allele origin: maternal. Affected: yes.
Comment: This variant was determined to be of uncertain significance according to ACMG Guidelines, 2015 [PMID:25741868].

Illumina Laboratory Services, Illumina
Classification: Likely benign for Polycystic liver disease 1. Last evaluated: 2017-04-27. Review status: criteria provided, single submitter. Criteria: ICSL Variant Classification Criteria 13 December 2019. Collection method: clinical testing. Allele origin: germline.
Comment: This variant was observed as part of a predisposition screen in an ostensibly healthy population. A literature search was performed for the gene, cDNA change, and amino acid change (where applicable). Publications were found based on this search. The evidence from the literature, in combination with allele frequency data from public databases where available, was sufficient to determine this variant is unlikely to cause disease. Therefore, this variant is classified as likely benign.

Eurofins Ntd Llc (ga)
Classification: Uncertain significance. Last evaluated: 2015-11-05. Review status: criteria provided, single submitter. Criteria: EGL Classification Definitions 2015. Collection method: clinical testing. Allele origin: germline. Observed: 1 variant allele, 1 heterozygote.

Literature cited by the submitters: PubMed 22415584 (cited by Illumina Laboratory Services, Illumina and Eurofins Ntd Llc (ga)); PubMed 16835903 (cited by Illumina Laboratory Services, Illumina and Eurofins Ntd Llc (ga)).